The following is an entry in ClinVar:

NM_013336.4(SEC61A1):c.1075G>C (p.Val359Leu)

Genes: RUVBL1 (RuvB like AAA ATPase 1; minus strand), SEC61A1 (SEC61 translocon subunit alpha 1; plus strand). Cytogenetic location: 3q21.3.
Variant type: single nucleotide variant.
Coding change: c.1075G>C on transcript NM_013336.4 (MANE Select); coding-DNA position 1075, G replaced by C.
Protein change: p.Val359Leu; replaces valine 359 with leucine.
Molecular consequence: missense variant. On other transcripts: intron variant (1).
Genome position (GRCh38, 1-based): chr3:128,067,520, G>C. VCF-style: chr3-128067520-G-C. GRCh37 (hg19) VCF-style: chr3-127786363-G-C.
Other names: c.1093G>C, p.Val365Leu (NM_001400328.1); c.916G>C, p.Val306Leu (NM_001400329.1); c.940-2300C>G (NM_001319086.1); short protein forms V359L, V306L, V365L.
Identifiers: ClinVar variation 1519793 (VCV001519793.9), dbSNP rs990977451, ClinGen allele CA83357050.

ClinVar aggregate classification (germline): Uncertain significance. Review status: criteria provided, multiple submitters, no conflicts (2 of 4 stars). 2 submissions from 2 submitters: Uncertain significance (2). Last evaluated 2024-01-23.

Conditions:
Inborn genetic diseases. Identifiers: MedGen C0950123, MeSH D030342.

Allele frequency attached by ClinVar (database versions not stated): gnomAD 0.00001; TOPMed 0.00002.
gnomAD v4.1: 8 of 1,614,036 alleles (0.0005%); highest among the groups gnomAD compares: African/African-American, 0.0067%; no homozygotes.

Submissions (2):

Ambry Genetics
Classification: Uncertain significance for Inborn genetic diseases. Last evaluated: 2024-01-23. Review status: criteria provided, single submitter. Criteria: Ambry Variant Classification Scheme 2023. Collection method: clinical testing. Allele origin: germline.

Labcorp Genetics (formerly Invitae), Labcorp
Classification: Uncertain significance. Last evaluated: 2022-02-27. Review status: criteria provided, single submitter. Criteria: Invitae Variant Classification Sherloc (09022015). Collection method: clinical testing. Allele origin: germline.
Comment: In summary, the available evidence is currently insufficient to determine the role of this variant in disease. Therefore, it has been classified as a Variant of Uncertain Significance. Algorithms developed to predict the effect of missense changes on protein structure and function (SIFT, PolyPhen-2, Align-GVGD) all suggest that this variant is likely to be tolerated. This variant has not been reported in the literature in individuals affected with SEC61A1-related conditions. This variant is not present in population databases (gnomAD no frequency). This sequence change replaces valine, which is neutral and non-polar, with leucine, which is neutral and non-polar, at codon 359 of the SEC61A1 protein (p.Val359Leu).